The following is an entry in ClinVar:

ClinVar aggregate classification (germline): Likely benign. Review status: criteria provided, single submitter (1 of 4 stars). 2 submissions from 2 submitters: Likely benign (1). 1 of the submissions does not count toward it. Last evaluated 2024-10-12.

Conditions:
Mucopolysaccharidosis, MPS-IV-A (MPS4A). Also called: Mucopolysaccharidosis type IV A; Mucopolysaccharidosis Type IVA; Morquio syndrome A, mild; MORQUIO SYNDROME A; GALACTOSAMINE-6-SULFATASE DEFICIENCY; GALNS DEFICIENCY. Identifiers: Orphanet 309297, Orphanet 582, MedGen C0086651, MONDO:0009659, OMIM 253000.
GALNS-related disorder. Also called: GALNS-related condition.

Allele frequency attached by ClinVar (database versions not stated): TOPMed 0.00001.
gnomAD v4.1: 3 of 1,560,224 alleles (0.00019%); highest among the groups gnomAD compares: Non-Finnish European, 0.00017%; no homozygotes.

Submissions (2):

Labcorp Genetics (formerly Invitae), Labcorp
Classification: Likely benign for Mucopolysaccharidosis, MPS-IV-A. Last evaluated: 2024-10-12. Review status: criteria provided, single submitter. Criteria: Invitae Variant Classification Sherloc (09022015). Collection method: clinical testing. Allele origin: germline.

PreventionGenetics, part of Exact Sciences
Classification: Likely benign for GALNS-related condition. Last evaluated: 2021-08-10. Review status: no assertion criteria provided. Collection method: clinical testing. Allele origin: germline. Not counted in ClinVar's aggregate classification.
Comment: This variant is classified as likely benign based on ACMG/AMP sequence variant interpretation guidelines (Richards et al. 2015 PMID: 25741868, with internal and published modifications).

NM_000512.5(GALNS):c.1509G>A (p.Lys503=)

Gene: GALNS (galactosamine (N-acetyl)-6-sulfatase; minus strand). Cytogenetic location: 16q24.3.
Variant type: single nucleotide variant.
Coding change: c.1509G>A on transcript NM_000512.5 (MANE Select); coding-DNA position 1509, G replaced by A.
Protein change: p.Lys503=; no amino-acid change (lysine 503 retained).
Molecular consequence: synonymous variant.
Genome position (GRCh38, 1-based): chr16:88,814,499, C>T on the plus strand (G>A on the coding strand, the complement: GALNS is on the minus strand). VCF-style: chr16-88814499-C-T. GRCh37 (hg19) VCF-style: chr16-88880907-C-T.
Other names: c.1509G>A (NM_000512.4); c.954G>A, p.Lys318= (NM_001323543.2); c.1527G>A, p.Lys509= (NM_001323544.2).
Identifiers: ClinVar variation 2892379 (VCV002892379.5), dbSNP rs1344680652, ClinGen allele CA497091311.